The following is an entry in ClinVar:

NM_001387430.1(SH2B1):c.612C>A (p.Gly204=)

Gene: SH2B1 (SH2B adaptor protein 1; plus strand). Cytogenetic location: 16p11.2.
Variant type: single nucleotide variant.
Coding change: c.612C>A on transcript NM_001387430.1 (MANE Select); coding-DNA position 612, C replaced by A.
Protein change: p.Gly204=; no amino-acid change (glycine 204 retained).
Molecular consequence: synonymous variant. On other transcripts: intron variant (1).
Genome position (GRCh38, 1-based): chr16:28,866,706, C>A. VCF-style: chr16-28866706-C-A. GRCh37 (hg19) VCF-style: chr16-28878027-C-A.
Other names: c.612C>A, p.Gly204= (NM_001145795.2, NM_001145796.2, NM_001145797.2 and 4 more transcripts); c.-26-668C>A (NM_001308294.2).
Identifiers: ClinVar variation 3354410 (VCV003354410.1).

ClinVar aggregate classification (germline): Likely benign (0 of 4 stars; one submission).

Conditions:
SH2B1-related disorder. Also called: SH2B1-related condition.

gnomAD v4.1: 7 of 1,593,040 alleles (0.00044%); highest among the groups gnomAD compares: Admixed American, 0.0034%; no homozygotes.

Submission:

PreventionGenetics, part of Exact Sciences
Classification: Likely benign for SH2B1-related condition. Last evaluated: 2022-08-01. Review status: no assertion criteria provided. Collection method: clinical testing. Allele origin: germline.
Comment: This variant is classified as likely benign based on ACMG/AMP sequence variant interpretation guidelines (Richards et al. 2015 PMID: 25741868, with internal and published modifications).